The following is an entry in ClinVar:

ClinVar aggregate classification (germline): Likely pathogenic (1 of 4 stars; one submission).

Submission:

GeneDx
Classification: Likely pathogenic. Last evaluated: 2022-01-25. Review status: criteria provided, single submitter. Criteria: GeneDx Variant Classification Process June 2021. Collection method: clinical testing. Allele origin: germline. Affected: yes.
Comment: Frameshift variant predicted to result in protein truncation or nonsense mediated decay in a gene for which loss-of-function is a known mechanism of disease; Not observed at significant frequency in large population cohorts (gnomAD); This variant is associated with the following publications: (PMID: 29655203)

NM_001323289.2(CDKL5):c.566dup (p.Ser191fs)

Gene: CDKL5 (cyclin dependent kinase like 5; plus strand). Cytogenetic location: Xp22.13.
Variant type: Duplication.
Coding change: c.566dup on transcript NM_001323289.2 (MANE Select); coding-DNA position 566, one base duplicated (G; older notation c.566dupG).
Protein change: p.Ser191fs; shifts the reading frame from serine 191.
Molecular consequence: frameshift variant.
Genome position (GRCh38, 1-based): chrX:18,587,965, G duplicated; the last of 2 consecutive G bases (chrX:18,587,964-18,587,965); duplicating either gives the same sequence. VCF-style (leftmost placement, unchanged base first): chrX-18587963-T-TG. GRCh37 (hg19) VCF-style: chrX-18606083-T-TG.
Other names: c.566dup, p.Ser191fs (NM_001037343.2, NM_003159.3); short protein forms S191fs.
Identifiers: ClinVar variation 1678739 (VCV001678739.2), dbSNP rs2147147959, ClinGen allele CA2573158450.